The following is an entry in ClinVar:

ClinVar aggregate classification (germline): Uncertain significance (1 of 4 stars; one submission).

Submission:

Ambry Genetics
Classification: Uncertain significance. Last evaluated: 2023-05-15. Review status: criteria provided, single submitter. Criteria: Ambry Variant Classification Scheme 2023. Collection method: clinical testing. Allele origin: germline.
Comment: The p.Q406P variant (also known as c.1217A>C), located in coding exon 8 of the POLQ gene, results from an A to C substitution at nucleotide position 1217. The glutamine at codon 406 is replaced by proline, an amino acid with similar properties. This amino acid position is conserved. In addition, this alteration is predicted to be tolerated by in silico analysis. Since supporting evidence is limited at this time, the clinical significance of this alteration remains unclear.

NM_199420.4(POLQ):c.1217A>C (p.Gln406Pro)

Gene: POLQ (DNA polymerase theta; minus strand). Cytogenetic location: 3q13.33.
Variant type: single nucleotide variant.
Coding change: c.1217A>C on transcript NM_199420.4 (MANE Select); coding-DNA position 1217, A replaced by C.
Protein change: p.Gln406Pro; replaces glutamine 406 with proline.
Molecular consequence: missense variant.
Genome position (GRCh38, 1-based): chr3:121,522,041, T>G on the plus strand (A>C on the coding strand, the complement: POLQ is on the minus strand). VCF-style: chr3-121522041-T-G. GRCh37 (hg19) VCF-style: chr3-121240888-T-G.
Other names: short protein forms Q406P.
Identifiers: ClinVar variation 2561756 (VCV002561756.2), dbSNP rs2546811564, ClinGen allele CA354121446.